The following is an entry in ClinVar:

ClinVar aggregate classification (germline): Likely benign. Review status: criteria provided, multiple submitters, no conflicts (2 of 4 stars). 2 submissions from 2 submitters: Likely benign (2). Last evaluated 2025-04-14.

Conditions:
Mucopolysaccharidosis type 1. Also called: Mucopolysaccharidosis Type I; IDUA deficiency; MPS I. Identifiers: Orphanet 579, MedGen C0023786, MONDO:0001586.

Submissions (2):

Mayo Clinic Laboratories, Mayo Clinic
Classification: Likely benign. Last evaluated: 2025-04-14. Review status: criteria provided, single submitter. Criteria: ACMG Guidelines, 2015. Collection method: clinical testing. Allele origin: germline. Observed: 1 variant allele.
Comment: BP4, BP7

Labcorp Genetics (formerly Invitae), Labcorp
Classification: Likely benign for Mucopolysaccharidosis type 1. Last evaluated: 2025-01-31. Review status: criteria provided, single submitter. Criteria: Invitae Variant Classification Sherloc (09022015). Collection method: clinical testing. Allele origin: germline.

NM_000203.5(IDUA):c.1230C>T (p.Thr410=)

Gene: IDUA (alpha-L-iduronidase; plus strand). Cytogenetic location: 4p16.3.
Variant type: single nucleotide variant.
Coding change: c.1230C>T on transcript NM_000203.5 (MANE Select); coding-DNA position 1230, C replaced by T.
Protein change: p.Thr410=; no amino-acid change (threonine 410 retained).
Molecular consequence: synonymous variant. On other transcripts: non-coding transcript variant (1).
Genome position (GRCh38, 1-based): chr4:1,002,772, C>T. VCF-style: chr4-1002772-C-T. GRCh37 (hg19) VCF-style: chr4-996560-C-T.
Other names: p.Thr410=; c.834C>T, p.Thr278= (NM_001363576.1).
Identifiers: ClinVar variation 1104016 (VCV001104016.10), dbSNP rs115790973, ClinGen allele CA91169949.